The following is an entry in ClinVar:

ClinVar aggregate classification (germline): Benign. Review status: criteria provided, single submitter (1 of 4 stars). 2 submissions from 2 submitters: Benign (1). 1 of the submissions does not count toward it. Last evaluated 2024-02-01.

Conditions:
CPB1-related disorder. Also called: CPB1-related condition.

Allele frequency attached by ClinVar (database versions not stated): 1000 Genomes Project 0.00399; 1000 Genomes Project 30x 0.00406; TOPMed 0.00672; gnomAD 0.00735; ESP Exome Variant Server 0.00777; ExAC 0.00924; gnomAD exomes 0.00985.

Submissions (2):

CeGaT Center for Human Genetics Tuebingen
Classification: Benign. Last evaluated: 2024-02-01. Review status: criteria provided, single submitter. Criteria: CeGaT Center For Human Genetics Tuebingen Variant Classification Criteria Version 2. Collection method: clinical testing. Allele origin: germline. Affected: yes. Observed: 1 variant allele.
Comment: CPB1: BP4, BS1, BS2

PreventionGenetics, part of Exact Sciences
Classification: Benign for CPB1-related condition. Last evaluated: 2019-02-19. Review status: no assertion criteria provided. Collection method: clinical testing. Allele origin: germline. Not counted in ClinVar's aggregate classification.
Comment: This variant is classified as benign based on ACMG/AMP sequence variant interpretation guidelines (Richards et al. 2015 PMID: 25741868, with internal and published modifications).

NM_001871.3(CPB1):c.584G>A (p.Arg195His)

Gene: CPB1 (carboxypeptidase B1; plus strand). Cytogenetic location: 3q24.
Variant type: single nucleotide variant.
Coding change: c.584G>A on transcript NM_001871.3 (MANE Select); coding-DNA position 584, G replaced by A.
Protein change: p.Arg195His; replaces arginine 195 with histidine.
Molecular consequence: missense variant.
Genome position (GRCh38, 1-based): chr3:148,844,485, G>A. VCF-style: chr3-148844485-G-A. GRCh37 (hg19) VCF-style: chr3-148562272-G-A.
Other names: c.584G>A (NM_001871.2); short protein forms R195H.
Identifiers: ClinVar variation 3024745 (VCV003024745.23), dbSNP rs145346983, ClinGen allele CA2657688.